The following is an entry in ClinVar:

NM_031407.7(HUWE1):c.647C>G (p.Thr216Arg)

Gene: HUWE1 (HECT, UBA and WWE domain containing E3 ubiquitin protein ligase 1; minus strand). Cytogenetic location: Xp11.22.
Variant type: single nucleotide variant.
Coding change: c.647C>G on transcript NM_031407.7 (MANE Select); coding-DNA position 647, C replaced by G.
Protein change: p.Thr216Arg; replaces threonine 216 with arginine.
Molecular consequence: missense variant.
Genome position (GRCh38, 1-based): chrX:53,631,613, G>C on the plus strand (C>G on the coding strand, the complement: HUWE1 is on the minus strand). VCF-style: chrX-53631613-G-C. GRCh37 (hg19) VCF-style: chrX-53658565-G-C.
Other names: short protein forms T216R.
Identifiers: ClinVar variation 3662742 (VCV003662742.2).

ClinVar aggregate classification (germline): Uncertain significance (1 of 4 stars; one submission).

Submission:

Labcorp Genetics (formerly Invitae), Labcorp
Classification: Uncertain significance. Last evaluated: 2024-08-18. Review status: criteria provided, single submitter. Criteria: Invitae Variant Classification Sherloc (09022015). Collection method: clinical testing. Allele origin: germline.
Comment: This sequence change replaces threonine, which is neutral and polar, with arginine, which is basic and polar, at codon 216 of the HUWE1 protein (p.Thr216Arg). This variant is not present in population databases (gnomAD no frequency). This variant has not been reported in the literature in individuals affected with HUWE1-related conditions. An algorithm developed to predict the effect of missense changes on protein structure and function (PolyPhen-2) suggests that this variant is likely to be disruptive. This variant disrupts the p.Thr216Ile amino acid residue in HUWE1. Other variant(s) that disrupt this residue have been determined to be pathogenic (Internal data). This suggests that this residue is clinically significant, and that variants that disrupt this residue are likely to be disease-causing. In summary, the available evidence is currently insufficient to determine the role of this variant in disease. Therefore, it has been classified as a Variant of Uncertain Significance.